The following is an entry in ClinVar:

NM_033380.3(COL4A5):c.103G>A (p.Gly35Arg)

Gene: COL4A5 (collagen type IV alpha 5 chain; plus strand). Cytogenetic location: Xq22.3.
Variant type: single nucleotide variant.
Coding change: c.103G>A on transcript NM_033380.3 (MANE Select); coding-DNA position 103, G replaced by A.
Protein change: p.Gly35Arg; replaces glycine 35 with arginine.
Molecular consequence: missense variant.
Genome position (GRCh38, 1-based): chrX:108,539,767, G>A. VCF-style: chrX-108539767-G-A. GRCh37 (hg19) VCF-style: chrX-107782997-G-A.
Other names: c.103G>A, p.Gly35Arg (NM_000495.5); short protein forms G35R.
Identifiers: ClinVar variation 3601973 (VCV003601973.1).

ClinVar aggregate classification (germline): Uncertain significance (1 of 4 stars; one submission).

Conditions:
X-linked Alport syndrome (ATS1). Also called: NEPHROPATHY AND DEAFNESS, X-LINKED; COL4A5-Related Nephropathy. Identifiers: Orphanet 63, Orphanet 88917, MedGen C4746986, MONDO:0010520, OMIM 301050.

Submission:

MVZ Medizinische Genetik Mainz
Classification: Uncertain significance for X-linked Alport syndrome. Last evaluated: 2024-12-17. Review status: criteria provided, single submitter. Criteria: UK Practice Guidelines For Variant Classification V4 01 2020. Collection method: clinical testing. Allele origin: germline. Inheritance: Autosomal dominant inheritance. Affected: yes. Observed: 1 variant allele.
Comment: ACMG Criteria: PM2_SUP,PP4